The following is an entry in ClinVar:

ClinVar aggregate classification (germline): Likely benign. Review status: criteria provided, multiple submitters, no conflicts (2 of 4 stars). 4 submissions from 4 submitters: Likely benign (4). Last evaluated 2025-12-14.

Conditions:
Hereditary cancer-predisposing syndrome. Also called: Neoplastic Syndromes, Hereditary; Hereditary neoplastic syndrome; Tumor predisposition; Hereditary Cancer Syndrome. Identifiers: Orphanet 140162, MedGen C0027672, MeSH D009386, MONDO:0015356.
Peutz-Jeghers syndrome (PJS). Also called: POLYPOSIS, HAMARTOMATOUS INTESTINAL; POLYPS-AND-SPOTS SYNDROME; Peutz-Jeghers polyposis; Periorificial lentiginosis syndrome. Identifiers: Orphanet 2869, MedGen C0031269, MeSH D010580, MONDO:0008280, OMIM 175200.

Allele frequency attached by ClinVar (database versions not stated): gnomAD exomes 0.00001 and 0.00002; TOPMed 0.00001; gnomAD 0.00003; ExAC 0.00006.
gnomAD v4.1: 16 of 1,591,472 alleles (0.001%); highest among the groups gnomAD compares: South Asian, 0.0046%; no homozygotes.

Submissions (4):

Labcorp Genetics (formerly Invitae), Labcorp
Classification: Likely benign for Peutz-Jeghers syndrome. Last evaluated: 2025-12-14. Review status: criteria provided, single submitter. Criteria: Invitae Variant Classification Sherloc (09022015). Collection method: clinical testing. Allele origin: germline.

Myriad Genetics, Inc.
Classification: Likely benign for Peutz-Jeghers syndrome. Last evaluated: 2025-03-26. Review status: criteria provided, single submitter. Criteria: Myriad Autosomal Dominant, Autosomal Recessive and X-Linked Classification Criteria (2023). Collection method: clinical testing. Allele origin: unknown.
Comment: This variant is considered likely benign. This variant is intronic and is not expected to impact mRNA splicing.

GeneDx
Classification: Likely benign. Last evaluated: 2017-04-24. Review status: criteria provided, single submitter. Criteria: GeneDx Variant Classification (06012015). Collection method: clinical testing. Allele origin: germline. Affected: yes.
Comment: This variant is considered likely benign or benign based on one or more of the following criteria: it is a conservative change, it occurs at a poorly conserved position in the protein, it is predicted to be benign by multiple in silico algorithms, and/or has population frequency not consistent with disease.

Color Diagnostics, LLC DBA Color Health
Classification: Likely benign for Hereditary cancer-predisposing syndrome. Last evaluated: 2017-01-12. Review status: criteria provided, single submitter. Criteria: ACMG Guidelines, 2015. Collection method: clinical testing. Allele origin: germline.

NM_000455.5(STK11):c.465-20C>T

Gene: STK11 (serine/threonine kinase 11; plus strand). Cytogenetic location: 19p13.3.
Variant type: single nucleotide variant.
Coding change: c.465-20C>T on transcript NM_000455.5 (MANE Select); 20 bases into the intron before coding-DNA position 465, C replaced by T.
Molecular consequence: intron variant.
Genome position (GRCh38, 1-based): chr19:1,220,353, C>T. VCF-style: chr19-1220353-C-T. GRCh37 (hg19) VCF-style: chr19-1220352-C-T.
Identifiers: ClinVar variation 386938 (VCV000386938.12), dbSNP rs768282654, ClinGen allele CA047883.
Genomic context (GRCh38, chr19:1,220,353, plus strand): 5'-GGCTCCCAGGCAGCTGCAAAGGGGACCCCTGTGAGGGGCAGGGAGGCCTCGGCCCCAGGA[C>T]GGGTGTGTGCTGCCCGCAGGTACTTCTGTCAGCTGATTGACGGCCTGGAGTACCTGCATA-3'